The following is an entry in ClinVar:

NM_015001.3(SPEN):c.-3A>G

Genes: SPEN (spen family transcriptional repressor; plus strand), SPEN-AS1 (SPEN antisense RNA 1; minus strand). Cytogenetic location: 1p36.21.
Variant type: single nucleotide variant.
Coding change: c.-3A>G on transcript NM_015001.3 (MANE Select); 3 bases upstream of the start codon, A replaced by G.
Molecular consequence: 5 prime UTR variant.
Genome position (GRCh38, 1-based): chr1:15,848,065, A>G. VCF-style: chr1-15848065-A-G. GRCh37 (hg19) VCF-style: chr1-16174560-A-G.
Identifiers: ClinVar variation 3905528 (VCV003905528.10).

ClinVar aggregate classification (germline): Likely benign (1 of 4 stars; one submission).

gnomAD v4.1: 129 of 1,449,254 alleles (0.0089%); highest among the groups gnomAD compares: Non-Finnish European, 0.011%; no homozygotes.

Submission:

CeGaT Center for Human Genetics Tuebingen
Classification: Likely benign. Last evaluated: 2025-06-01. Review status: criteria provided, single submitter. Criteria: CeGaT Center For Human Genetics Tuebingen Variant Classification Criteria Version 2. Collection method: clinical testing. Allele origin: germline. Affected: yes. Observed: 1 variant allele.
Comment: SPEN: BP4